The following is an entry in ClinVar:

NM_017986.4(SLC52A1):c.566A>G (p.Glu189Gly)

Gene: SLC52A1 (solute carrier family 52 member 1; minus strand). Cytogenetic location: 17p13.2.
Variant type: single nucleotide variant.
Coding change: c.566A>G on transcript NM_017986.4 (MANE Select); coding-DNA position 566, A replaced by G.
Protein change: p.Glu189Gly; replaces glutamic acid 189 with glycine.
Molecular consequence: missense variant.
Genome position (GRCh38, 1-based): chr17:5,033,923, T>C on the plus strand (A>G on the coding strand, the complement: SLC52A1 is on the minus strand). VCF-style: chr17-5033923-T-C. GRCh37 (hg19) VCF-style: chr17-4937218-T-C.
Other names: c.566A>G, p.Glu189Gly (NM_001104577.2); short protein forms E189G.
Identifiers: ClinVar variation 1364969 (VCV001364969.8), dbSNP rs1189338503, ClinGen allele CA397330241.
Genomic context (GRCh38, chr17:5,033,923, plus strand): 5'-GCAGCTGAAGTGACCAGAAGGGCAGTCAGTGCCCAGAAGAAGGTGCTGGCAGGAAAACGC[T>C]CAGGGAAGTCGAGGGGAGGCCCAGAGGTGCCATTGGTGGGCGCTGGTGGGCACTCGAGGC-3'
Protein context (NP_060456.3, residues 179-199): GTSGPPLDFP[Glu189Gly]RFPASTFFWA

ClinVar aggregate classification (germline): Uncertain significance (1 of 4 stars; one submission).

Conditions:
Vitamin B2 deficiency. Identifiers: MedGen C0035528.

Submission:

Labcorp Genetics (formerly Invitae), Labcorp
Classification: Uncertain significance for Vitamin B2 deficiency. Last evaluated: 2022-06-20. Review status: criteria provided, single submitter. Criteria: Invitae Variant Classification Sherloc (09022015). Collection method: clinical testing. Allele origin: germline.
Comment: In summary, the available evidence is currently insufficient to determine the role of this variant in disease. Therefore, it has been classified as a Variant of Uncertain Significance. Algorithms developed to predict the effect of missense changes on protein structure and function are either unavailable or do not agree on the potential impact of this missense change (SIFT: "Deleterious"; PolyPhen-2: "Probably Damaging"; Align-GVGD: "Class C0"). This variant has not been reported in the literature in individuals affected with SLC52A1-related conditions. This variant is not present in population databases (gnomAD no frequency). This sequence change replaces glutamic acid, which is acidic and polar, with glycine, which is neutral and non-polar, at codon 189 of the SLC52A1 protein (p.Glu189Gly).